The following is an entry in ClinVar:

ClinVar aggregate classification (germline): Uncertain significance (1 of 4 stars; one submission).

Submission:

Labcorp Genetics (formerly Invitae), Labcorp
Classification: Uncertain significance. Last evaluated: 2023-10-04. Review status: criteria provided, single submitter. Criteria: Invitae Variant Classification Sherloc (09022015). Collection method: clinical testing. Allele origin: germline.
Comment: This sequence change replaces leucine, which is neutral and non-polar, with phenylalanine, which is neutral and non-polar, at codon 978 of the AP3D1 protein (p.Leu978Phe). This variant is not present in population databases (gnomAD no frequency). This variant has not been reported in the literature in individuals affected with AP3D1-related conditions. An algorithm developed to predict the effect of missense changes on protein structure and function (PolyPhen-2) suggests that this variant is likely to be tolerated. In summary, the available evidence is currently insufficient to determine the role of this variant in disease. Therefore, it has been classified as a Variant of Uncertain Significance.

NM_001261826.3(AP3D1):c.2932C>T (p.Leu978Phe)

Gene: AP3D1 (adaptor related protein complex 3 subunit delta 1; minus strand). Cytogenetic location: 19p13.3.
Variant type: single nucleotide variant.
Coding change: c.2932C>T on transcript NM_001261826.3 (MANE Select); coding-DNA position 2932, C replaced by T.
Protein change: p.Leu978Phe; replaces leucine 978 with phenylalanine.
Molecular consequence: missense variant.
Genome position (GRCh38, 1-based): chr19:2,111,684, G>A on the plus strand (C>T on the coding strand, the complement: AP3D1 is on the minus strand). VCF-style: chr19-2111684-G-A. GRCh37 (hg19) VCF-style: chr19-2111683-G-A.
Other names: c.2896C>T, p.Leu966Phe (NM_001374799.1); c.2746C>T, p.Leu916Phe (NM_003938.8); short protein forms L916F, L978F, L966F.
Identifiers: ClinVar variation 2765314 (VCV002765314.3), dbSNP rs2512136990, ClinGen allele CA403203790.